The following is an entry in ClinVar:

NM_003011.4(SET):c.204dup (p.Gln69fs)

Gene: SET (SET nuclear proto-oncogene; plus strand). Cytogenetic location: 9q34.11.
Variant type: Duplication.
Coding change: c.204dup on transcript NM_003011.4 (MANE Select); coding-DNA position 204, one base duplicated (T; older notation c.204dupT).
Protein change: p.Gln69fs; shifts the reading frame from glutamine 69.
Molecular consequence: frameshift variant.
Genome position (GRCh38, 1-based): chr9:128,691,930, T duplicated; the last of 6 consecutive T bases (chr9:128,691,925-128,691,930); duplicating any one gives the same sequence. VCF-style (leftmost placement, unchanged base first): chr9-128691924-A-AT. GRCh37 (hg19) VCF-style: chr9-131454203-A-AT.
Other names: c.243dup, p.Gln82fs (NM_001122821.2, NM_001374326.1); c.177dup, p.Gln60fs (NM_001248000.2); c.171dup, p.Gln58fs (NM_001248001.2); short protein forms Q58fs, Q60fs, Q69fs, Q82fs.
Identifiers: ClinVar variation 4076402 (VCV004076402.1).

ClinVar aggregate classification (germline): Pathogenic/Likely pathogenic. Review status: criteria provided, multiple submitters, no conflicts (2 of 4 stars). 2 submissions from 2 submitters: Pathogenic (1); Likely pathogenic (1). Last evaluated 2025-10-12.

Conditions:
Intellectual developmental disorder, autosomal dominant 58. Also called: MENTAL RETARDATION, AUTOSOMAL DOMINANT 58; Intellectual disability, autosomal dominant 58. Identifiers: MedGen C4748195, MONDO:0020847, OMIM 618106.

Submissions (2):

Clinical Genetics DNA and cytogenetics Diagnostics Lab, Erasmus MC, Erasmus Medical Center
Classification: Pathogenic for Intellectual developmental disorder, autosomal dominant 58. Last evaluated: 2025-10-12. Review status: criteria provided, single submitter. Criteria: ACMG Guidelines, 2015. Collection method: clinical testing. Allele origin: unknown. Inheritance: Autosomal dominant inheritance. Affected: yes. Observed: 1 variant allele.

Laboratorio de Genetica e Diagnostico Molecular, Hospital Israelita Albert Einstein
Classification: Likely pathogenic for Intellectual developmental disorder, autosomal dominant 58. Last evaluated: 2024-02-29. Review status: criteria provided, single submitter. Criteria: ACMG Guidelines, 2015. Collection method: clinical testing. Allele origin: germline. Affected: yes.
Comment: ACMG classification criteria: PVS1 very strong, PM2 supporting